The following is an entry in ClinVar:

NM_000059.4(BRCA2):c.6427T>A (p.Ser2143Thr)

Gene: BRCA2 (BRCA2 DNA repair associated; plus strand). Cytogenetic location: 13q13.1.
Variant type: single nucleotide variant.
Coding change: c.6427T>A on transcript NM_000059.4 (MANE Select); coding-DNA position 6427, T replaced by A.
Protein change: p.Ser2143Thr; replaces serine 2143 with threonine.
Molecular consequence: missense variant. On other transcripts: non-coding transcript variant (1), intron variant (2).
Genome position (GRCh38, 1-based): chr13:32,340,782, T>A. VCF-style: chr13-32340782-T-A. GRCh37 (hg19) VCF-style: chr13-32914919-T-A.
Other names: c.6427T>A, p.Ser2143Thr (NM_001406719.1, NM_001406720.1); c.1910-3776T>A (NM_001406721.1); c.425-3776T>A (NM_001406722.1); short protein forms S2143T.
Identifiers: ClinVar variation 3073227 (VCV003073227.3), dbSNP rs1593908619, ClinGen allele CA387789286.

ClinVar aggregate classification (germline): Uncertain significance. Review status: criteria provided, multiple submitters, no conflicts (2 of 4 stars). 2 submissions from 2 submitters: Uncertain significance (2). Last evaluated 2026-08-13.

Conditions:
Hereditary cancer-predisposing syndrome. Also called: Tumor predisposition; Hereditary Cancer Syndrome; Neoplastic Syndromes, Hereditary; Hereditary neoplastic syndrome. Identifiers: Orphanet 140162, MedGen C0027672, MeSH D009386, MONDO:0015356.
BRCA2-related cancer predisposition. Identifiers: MedGen CN377758, MONDO:0700269.

Submissions (2):

Ambry Genetics
Classification: Uncertain significance for Hereditary cancer-predisposing syndrome. Last evaluated: 2026-08-13. Review status: criteria provided, single submitter. Criteria: Ambry Variant Classification Scheme 2023. Collection method: clinical testing. Allele origin: germline.
Comment: The p.S2143T variant (also known as c.6427T>A), located in coding exon 10 of the BRCA2 gene, results from a T to A substitution at nucleotide position 6427. The serine at codon 2143 is replaced by threonine, an amino acid with similar properties. This amino acid position is conserved. In addition, the in silico prediction for this alteration is inconclusive. Based on the available evidence, the clinical significance of this variant remains unclear.

All of Us Research Program, National Institutes of Health
Classification: Uncertain significance for BRCA2-related cancer predisposition. Last evaluated: 2024-03-24. Review status: criteria provided, single submitter. Criteria: ACMG Guidelines, 2015. Collection method: clinical testing. Allele origin: germline. Inheritance: Autosomal dominant inheritance. Observed: 2 variant alleles, 2 heterozygotes.
Comment: This missense variant replaces serine with threonine at codon 2143 of the BRCA2 protein. Computational prediction suggests that this variant may not impact protein structure and function (internally defined REVEL score threshold <= 0.5, PMID: 27666373). To our knowledge, functional studies have not been reported for this variant. This variant has not been reported in individuals affected with BRCA2-related disorders in the literature. This variant has not been identified in the general population by the Genome Aggregation Database (gnomAD). The available evidence is insufficient to determine the role of this variant in disease conclusively. Therefore, this variant is classified as a Variant of Uncertain Significance.

This study involves interpretation of variants in research participants for the purpose of population health screening. Participant phenotype was not available at the time of variant classification. Additional details can be found in publication PMID: 35346344, PMCID: PMC8962531